The following is an entry in ClinVar:

NM_198253.3(TERT):c.1055C>G (p.Pro352Arg)

Gene: TERT (telomerase reverse transcriptase; minus strand). Cytogenetic location: 5p15.33.
Variant type: single nucleotide variant.
Coding change: c.1055C>G on transcript NM_198253.3 (MANE Select); coding-DNA position 1055, C replaced by G.
Protein change: p.Pro352Arg; replaces proline 352 with arginine.
Molecular consequence: missense variant. On other transcripts: non-coding transcript variant (2).
Genome position (GRCh38, 1-based): chr5:1,293,831, G>C on the plus strand (C>G on the coding strand, the complement: TERT is on the minus strand). VCF-style: chr5-1293831-G-C. GRCh37 (hg19) VCF-style: chr5-1293946-G-C.
Other names: c.1055C>G, p.Pro352Arg (NM_001193376.3, NM_003219.1); short protein forms P352R.
Identifiers: ClinVar variation 3240579 (VCV003240579.2), dbSNP rs1282026714.

ClinVar aggregate classification (germline): Uncertain significance. Review status: criteria provided, multiple submitters, no conflicts (2 of 4 stars). 2 submissions from 2 submitters: Uncertain significance (2). Last evaluated 2024-08-17.

Conditions:
Dyskeratosis congenita. Identifiers: Orphanet 1775, MedGen C0265965, MONDO:0015780.
Dyskeratosis congenita, autosomal dominant 2. Identifiers: MedGen C3151443, MONDO:0013521, OMIM 613989.

Submissions (2):

Ambry Genetics
Classification: Uncertain significance for Dyskeratosis congenita. Last evaluated: 2024-08-17. Review status: criteria provided, single submitter. Criteria: Ambry Variant Classification Scheme 2023. Collection method: clinical testing. Allele origin: germline.
Comment: The p.P352R variant (also known as c.1055C>G), located in coding exon 2 of the TERT gene, results from a C to G substitution at nucleotide position 1055. The proline at codon 352 is replaced by arginine, an amino acid with dissimilar properties. This amino acid position is conserved. In addition, the in silico prediction for this alteration is inconclusive. Based on the available evidence, the clinical significance of this variant remains unclear.

Baylor Genetics
Classification: Uncertain significance for Dyskeratosis congenita, autosomal dominant 2. Last evaluated: 2024-03-15. Review status: criteria provided, single submitter. Criteria: ACMG Guidelines, 2015. Collection method: clinical testing. Allele origin: unknown.